The following is an entry in ClinVar:

ClinVar aggregate classification (germline): Uncertain significance (1 of 4 stars; one submission).

Conditions:
Peroxisome biogenesis disorder 2B (PBD2B). Identifiers: Orphanet 44, MedGen C3550234, MONDO:0008736, OMIM 202370.

Submission:

Labcorp Genetics (formerly Invitae), Labcorp
Classification: Uncertain significance for Peroxisome biogenesis disorder 2B. Last evaluated: 2022-10-25. Review status: criteria provided, single submitter. Criteria: Invitae Variant Classification Sherloc (09022015). Collection method: clinical testing. Allele origin: germline.
Comment: This sequence change replaces aspartic acid, which is acidic and polar, with valine, which is neutral and non-polar, at codon 207 of the PEX5 protein (p.Asp207Val). This variant is not present in population databases (gnomAD no frequency). This variant has not been reported in the literature in individuals affected with PEX5-related conditions. ClinVar contains an entry for this variant (Variation ID: 1425544). Advanced modeling of protein sequence and biophysical properties (such as structural, functional, and spatial information, amino acid conservation, physicochemical variation, residue mobility, and thermodynamic stability) performed at Invitae indicates that this missense variant is expected to disrupt PEX5 protein function. In summary, the available evidence is currently insufficient to determine the role of this variant in disease. Therefore, it has been classified as a Variant of Uncertain Significance.

NM_001351132.2(PEX5):c.620A>T (p.Asp207Val)

Gene: PEX5 (peroxisomal biogenesis factor 5; plus strand). Cytogenetic location: 12p13.31.
Variant type: single nucleotide variant.
Coding change: c.620A>T on transcript NM_001351132.2 (MANE Select); coding-DNA position 620, A replaced by T.
Protein change: p.Asp207Val; replaces aspartic acid 207 with valine.
Molecular consequence: missense variant.
Genome position (GRCh38, 1-based): chr12:7,201,819, A>T. VCF-style: chr12-7201819-A-T. GRCh37 (hg19) VCF-style: chr12-7354415-A-T.
Other names: c.620A>T, p.Asp207Val (NM_000319.5, NM_001131024.2, NM_001131025.2 and 19 more transcripts); c.665A>T, p.Asp222Val (NM_001131023.2, NM_001351135.3, NM_001351138.2); short protein forms D207V, D222V.
Identifiers: ClinVar variation 1425544 (VCV001425544.8), dbSNP rs1011160954, ClinGen allele CA383721734.